The following is an entry in ClinVar:

NM_001849.4(COL6A2):c.959C>T (p.Ala320Val)

Gene: COL6A2 (collagen type VI alpha 2 chain; plus strand). Cytogenetic location: 21q22.3.
Variant type: single nucleotide variant.
Coding change: c.959C>T on transcript NM_001849.4 (MANE Select); coding-DNA position 959, C replaced by T.
Protein change: p.Ala320Val; replaces alanine 320 with valine.
Molecular consequence: missense variant.
Genome position (GRCh38, 1-based): chr21:46,116,774, C>T. VCF-style: chr21-46116774-C-T. GRCh37 (hg19) VCF-style: chr21-47536688-C-T.
Other names: c.959C>T, p.Ala320Val (NM_058174.3, NM_058175.3); short protein forms A320V.
Identifiers: ClinVar variation 1051851 (VCV001051851.9), dbSNP rs1444127463, ClinGen allele CA410527165.

ClinVar aggregate classification (germline): Uncertain significance (1 of 4 stars; one submission).

Conditions:
Bethlem myopathy 1A. Also called: Bethlem Muscular Dystrophy; MYOPATHY, BENIGN CONGENITAL, WITH CONTRACTURES; Bethlem myopathy 1. Identifiers: Orphanet 610, MedGen CN029274, MONDO:0024530, OMIM 158810.

Submission:

Labcorp Genetics (formerly Invitae), Labcorp
Classification: Uncertain significance for Bethlem myopathy 1A. Last evaluated: 2022-03-18. Review status: criteria provided, single submitter. Criteria: Invitae Variant Classification Sherloc (09022015). Collection method: clinical testing. Allele origin: germline.
Comment: This sequence change replaces alanine, which is neutral and non-polar, with valine, which is neutral and non-polar, at codon 320 of the COL6A2 protein (p.Ala320Val). This variant is not present in population databases (gnomAD no frequency). This variant has not been reported in the literature in individuals affected with COL6A2-related conditions. ClinVar contains an entry for this variant (Variation ID: 1051851). Advanced modeling of protein sequence and biophysical properties (such as structural, functional, and spatial information, amino acid conservation, physicochemical variation, residue mobility, and thermodynamic stability) performed at Invitae indicates that this missense variant is not expected to disrupt COL6A2 protein function. In summary, the available evidence is currently insufficient to determine the role of this variant in disease. Therefore, it has been classified as a Variant of Uncertain Significance.